The following is an entry in ClinVar:

NM_015087.5(SPART):c.-8G>A

Gene: SPART (spartin; minus strand). Cytogenetic location: 13q13.3.
Variant type: single nucleotide variant.
Coding change: c.-8G>A on transcript NM_015087.5 (MANE Select); 8 bases upstream of the start codon, G replaced by A.
Molecular consequence: 5 prime UTR variant. On other transcripts: intron variant (3).
Genome position (GRCh38, 1-based): chr13:36,346,230, C>T on the plus strand (G>A on the coding strand, the complement: SPART is on the minus strand). VCF-style: chr13-36346230-C-T. GRCh37 (hg19) VCF-style: chr13-36920367-C-T.
Other names: c.-2-10398G>A (NM_001142294.2); c.-3+352G>A (NM_001142295.2); c.-75+84G>A (NM_001142296.2).
Identifiers: ClinVar variation 512580 (VCV000512580.5), dbSNP rs567106287, ClinGen allele CA248182176.

ClinVar aggregate classification (germline): Conflicting classifications of pathogenicity. Review status: criteria provided, conflicting classifications (1 of 4 stars). 2 submissions from 2 submitters: Uncertain significance (1); Likely benign (1). Last evaluated 2018-01-13.

Conditions:
Troyer syndrome (SPG20). Identifiers: Orphanet 101000, MedGen C0393559, MONDO:0010156, OMIM 275900.

Allele frequency attached by ClinVar (database versions not stated): 1000 Genomes Project 0.00459; gnomAD 0.00462 and 0.00498; 1000 Genomes Project 30x 0.00500; TOPMed 0.00572.

Submissions (2):

Illumina Laboratory Services, Illumina
Classification: Uncertain significance for Troyer syndrome. Last evaluated: 2018-01-13. Review status: criteria provided, single submitter. Criteria: ICSL Variant Classification Criteria 13 December 2019. Collection method: clinical testing. Allele origin: germline.

GeneDx
Classification: Likely benign. Last evaluated: 2017-10-12. Review status: criteria provided, single submitter. Criteria: GeneDx Variant Classification (06012015). Collection method: clinical testing. Allele origin: germline. Affected: yes.
Comment: This variant is considered likely benign or benign based on one or more of the following criteria: it is a conservative change, it occurs at a poorly conserved position in the protein, it is predicted to be benign by multiple in silico algorithms, and/or has population frequency not consistent with disease.